The following is an entry in ClinVar:

NM_032119.4(ADGRV1):c.12115A>G (p.Lys4039Glu)

Gene: ADGRV1 (adhesion G protein-coupled receptor V1; plus strand). Cytogenetic location: 5q14.3.
Variant type: single nucleotide variant.
Coding change: c.12115A>G on transcript NM_032119.4 (MANE Select); coding-DNA position 12115, A replaced by G.
Protein change: p.Lys4039Glu; replaces lysine 4039 with glutamic acid.
Molecular consequence: missense variant. On other transcripts: non-coding transcript variant (1).
Genome position (GRCh38, 1-based): chr5:90,759,583, A>G. VCF-style: chr5-90759583-A-G. GRCh37 (hg19) VCF-style: chr5-90055400-A-G.
Other names: short protein forms K4039E.
Identifiers: ClinVar variation 1485629 (VCV001485629.8), dbSNP rs1300723772, ClinGen allele CA360374849.

ClinVar aggregate classification (germline): Uncertain significance (1 of 4 stars; one submission).

gnomAD v4.1: 1 of 1,612,314 alleles (0.000062%); highest among the groups gnomAD compares: Non-Finnish European, 0.000085%; no homozygotes.

Submission:

Labcorp Genetics (formerly Invitae), Labcorp
Classification: Uncertain significance. Last evaluated: 2021-12-29. Review status: criteria provided, single submitter. Criteria: Invitae Variant Classification Sherloc (09022015). Collection method: clinical testing. Allele origin: germline.
Comment: In summary, the available evidence is currently insufficient to determine the role of this variant in disease. Therefore, it has been classified as a Variant of Uncertain Significance. Algorithms developed to predict the effect of missense changes on protein structure and function output the following: SIFT: "Tolerated"; PolyPhen-2: "Possibly Damaging"; Align-GVGD: "Class C0". The glutamic acid amino acid residue is found in multiple mammalian species, which suggests that this missense change does not adversely affect protein function. This variant has not been reported in the literature in individuals affected with ADGRV1-related conditions. This variant is not present in population databases (gnomAD no frequency). This sequence change replaces lysine, which is basic and polar, with glutamic acid, which is acidic and polar, at codon 4039 of the ADGRV1 protein (p.Lys4039Glu).